The following is an entry in ClinVar:

ClinVar aggregate classification (germline): Likely benign (0 of 4 stars; one submission).

Conditions:
UTP4-related disorder. Also called: UTP4-related condition.

Allele frequency attached by ClinVar (database versions not stated): gnomAD exomes below 0.00001; gnomAD 0.00001; TOPMed 0.00002.
gnomAD v4.1: 4 of 1,613,578 alleles (0.00025%); highest among the groups gnomAD compares: African/African-American, 0.0053%; no homozygotes.

Submission:

PreventionGenetics, part of Exact Sciences
Classification: Likely benign for UTP4-related condition. Last evaluated: 2021-09-01. Review status: no assertion criteria provided. Collection method: clinical testing. Allele origin: germline.
Comment: This variant is classified as likely benign based on ACMG/AMP sequence variant interpretation guidelines (Richards et al. 2015 PMID: 25741868, with internal and published modifications).

NM_032830.3(UTP4):c.1648-10C>G

Gene: UTP4 (UTP4 small subunit processome component). Cytogenetic location: 16q22.1.
Variant type: single nucleotide variant.
Coding change: c.1648-10C>G on transcript NM_032830.3 (MANE Select); 10 bases into the intron before coding-DNA position 1648, C replaced by G.
Molecular consequence: intron variant.
Genome position (GRCh38, 1-based): chr16:69,165,331, C>G. VCF-style: chr16-69165331-C-G. GRCh37 (hg19) VCF-style: chr16-69199234-C-G.
Other names: c.1399-10C>G (NM_001318391.2).
Identifiers: ClinVar variation 3054578 (VCV003054578.2), dbSNP rs978512483, ClinGen allele CA283358657.